The following is an entry in ClinVar:

ClinVar aggregate classification (germline): Conflicting classifications of pathogenicity. Review status: criteria provided, conflicting classifications (1 of 4 stars). 2 submissions from 2 submitters: Uncertain significance (1); Likely benign (1). Last evaluated 2024-05-09.

Conditions:
Inborn genetic diseases. Identifiers: MedGen C0950123, MeSH D030342.
Chromosome 2q32-q33 deletion syndrome (GLASS). Also called: Glass syndrome; 2q33.1 deletion syndrome. Identifiers: Orphanet 251019, MedGen C2676739, MONDO:0012864, OMIM 612313.

Allele frequency attached by ClinVar (database versions not stated): TOPMed below 0.00001; ExAC 0.00001; gnomAD 0.00001; gnomAD exomes 0.00002; 1000 Genomes Project 30x 0.00016; 1000 Genomes Project 0.00040.
gnomAD v4.1: 25 of 1,614,068 alleles (0.0015%); highest among the groups gnomAD compares: Non-Finnish European, 0.002%; no homozygotes.

Submissions (2):

Ambry Genetics
Classification: Likely benign for Inborn genetic diseases. Last evaluated: 2024-05-09. Review status: criteria provided, single submitter. Criteria: Ambry Variant Classification Scheme 2023. Collection method: clinical testing. Allele origin: germline.

Labcorp Genetics (formerly Invitae), Labcorp
Classification: Uncertain significance for Chromosome 2q32-q33 deletion syndrome. Last evaluated: 2023-08-17. Review status: criteria provided, single submitter. Criteria: Invitae Variant Classification Sherloc (09022015). Collection method: clinical testing. Allele origin: germline.
Comment: Advanced modeling performed at Invitae incorporating data from internal and/or published experimental studies (Invitae) indicates that this missense variant is not expected to disrupt SATB2 function. In summary, the available evidence is currently insufficient to determine the role of this variant in disease. Therefore, it has been classified as a Variant of Uncertain Significance. ClinVar contains an entry for this variant (Variation ID: 1484313). This sequence change replaces leucine, which is neutral and non-polar, with arginine, which is basic and polar, at codon 248 of the SATB2 protein (p.Leu248Arg). This variant is present in population databases (rs200620268, gnomAD 0.003%). This variant has not been reported in the literature in individuals affected with SATB2-related conditions.

NM_001172509.2(SATB2):c.743T>G (p.Leu248Arg)

Gene: SATB2 (SATB homeobox 2; minus strand). Cytogenetic location: 2q33.1.
Variant type: single nucleotide variant.
Coding change: c.743T>G on transcript NM_001172509.2 (MANE Select); coding-DNA position 743, T replaced by G.
Protein change: p.Leu248Arg; replaces leucine 248 with arginine.
Molecular consequence: missense variant.
Genome position (GRCh38, 1-based): chr2:199,349,131, A>C on the plus strand (T>G on the coding strand, the complement: SATB2 is on the minus strand). VCF-style: chr2-199349131-A-C. GRCh37 (hg19) VCF-style: chr2-200213854-A-C.
Other names: c.743T>G (NM_015265.3); c.743T>G, p.Leu248Arg (NM_001172517.1, NM_015265.4); short protein forms L248R.
Identifiers: ClinVar variation 1484313 (VCV001484313.9), dbSNP rs200620268, ClinGen allele CA2046010.